The following is an entry in ClinVar:

NM_194454.3(KRIT1):c.1363C>T (p.Gln455Ter)

Gene: KRIT1 (KRIT1 ankyrin repeat containing; minus strand). Cytogenetic location: 7q21.2.
Variant type: single nucleotide variant.
Coding change: c.1363C>T on transcript NM_194454.3 (MANE Select); coding-DNA position 1363, C replaced by T.
Protein change: p.Gln455Ter; replaces glutamine 455 with a stop codon.
Molecular consequence: nonsense.
Genome position (GRCh38, 1-based): chr7:92,222,870, G>A on the plus strand (C>T on the coding strand, the complement: KRIT1 is on the minus strand). VCF-style: chr7-92222870-G-A. GRCh37 (hg19) VCF-style: chr7-91852184-G-A.
Other names: Q248*; c.1219C>T, p.Gln407Ter (NM_001013406.2, NM_001350669.1, NM_001350670.1); c.649C>T, p.Gln217Ter (NM_001350671.1); c.1363C>T, p.Gln455Ter (NM_001350672.1, NM_001350673.1, NM_001350674.1 and 26 more transcripts); short protein forms Q407*, Q455*, Q217*.
Identifiers: ClinVar variation 5721 (VCV000005721.43), dbSNP rs267607203, ClinGen allele CA253579.
Genomic context (GRCh38, chr7:92,222,870, plus strand): 5'-AAACTTTCTTACTGAGGTTTTCTGAACAAATCCATATAGTGAAATATTGCTGAGTTTCTT[G>A]AGAGAGACGCATTCCTTCCATTATCTGCTGCACTGTGGTATTATTTCCATGCTTCAATTC-3'

ClinVar aggregate classification (germline): Pathogenic. Review status: criteria provided, multiple submitters, no conflicts (2 of 4 stars). 14 submissions from 14 submitters: Pathogenic (12). 2 of the submissions do not count toward it. Last evaluated 2026-09-21.

Conditions:
KRIT1-related disorder. Also called: KRIT1-related disorders; KRIT1-related condition.
Inborn genetic diseases. Identifiers: MedGen C0950123, MeSH D030342.
Cerebral cavernous malformation (CCM). Also called: CAVERNOUS ANGIOMA, FAMILIAL; CAVERNOUS ANGIOMATOUS MALFORMATIONS; CEREBRAL CAPILLARY MALFORMATIONS; Cavernous Hemangioma of Brain; Cerebral cavernous hemangioma (type); Cerebral cavernous malformations. Identifiers: Orphanet 221061, MedGen C2919945, MONDO:0000820, OMIM 116860, HP:0033522.
Cerebral cavernous malformation 1. Also called: Familial Cerebral Cavernous Malformation 1; Cerebral cavernous malformations 1. Identifiers: MedGen C1366911, MONDO:0020724.

Allele frequency attached by ClinVar (database versions not stated): TOPMed 0.00001; gnomAD exomes below 0.00001.
gnomAD v4.1: 2 of 1,609,150 alleles (0.00012%); highest among the groups gnomAD compares: Admixed American, 0.0033%; no homozygotes.

Submissions (14):

PreventionGenetics, part of Exact Sciences
Classification: Pathogenic for KRIT1-related condition. Last evaluated: 2026-09-21. Review status: criteria provided, single submitter. Criteria: ACMG Guidelines, 2015. Collection method: clinical testing. Allele origin: germline.
Comment: The KRIT1 c.1363C>T variant is predicted to result in premature protein termination (p.Gln455*). This variant is known as the “Common Hispanic Mutation” and has been conclusively shown to be causative for cerebral cavernous malformations (CCMs, Laurans et al. 2003. PubMed ID: 12854741; Choquet et al. 2014. PubMed ID: 24401931). This variant is reported in 0.0029% of alleles in individuals of Latino descent in gnomAD. This variant is interpreted as pathogenic.

Labcorp Genetics (formerly Invitae), Labcorp
Classification: Pathogenic for Cerebral cavernous malformation. Last evaluated: 2026-02-01. Review status: criteria provided, single submitter. Criteria: Invitae Variant Classification Sherloc (09022015). Collection method: clinical testing. Allele origin: germline.
Comment: This sequence change creates a premature translational stop signal (p.Gln455*) in the KRIT1 gene. It is expected to result in an absent or disrupted protein product. Loss-of-function variants in KRIT1 are known to be pathogenic (PMID: 10508515, 11222804, 12404106, 24689081). This variant is present in population databases (rs267607203, gnomAD 0.003%). This premature translational stop signal has been observed in individuals with cerebral cavernous malformations (PMID: 10545614, 12404106, 24401931). It is commonly reported in individuals of Hispanic-American ancestry (PMID: 10545614, 24401931). This variant is also known as c.742C>T (p.Gln248*). ClinVar contains an entry for this variant (Variation ID: 5721). Algorithms developed to predict the effect of sequence changes on RNA splicing suggest that this variant may disrupt the consensus splice site. For these reasons, this variant has been classified as Pathogenic.

Ambry Genetics
Classification: Pathogenic for Inborn genetic diseases. Last evaluated: 2025-12-04. Review status: criteria provided, single submitter. Criteria: Ambry Variant Classification Scheme 2023. Collection method: clinical testing. Allele origin: germline.
Comment: The c.1363C>T (p.Q455*) alteration, located in exon 14 (coding exon 10) of the KRIT1 gene, consists of a C to T substitution at nucleotide position 1363. This changes the amino acid from a glutamine (Q) to a stop codon at amino acid position 455. This alteration is expected to result in loss of function by premature protein truncation or nonsense-mediated mRNA decay. Based on data from gnomAD, the T allele has an overall frequency of <0.001% (1/251184) total alleles studied. The highest observed frequency was 0.003% (1/34586) of Latino alleles. This variant, also known as c.742C>T (p.Q248*), was reported in individual(s) with features consistent with KRIT1-related cerebral cavernous malformations (Sahoo, 1999; Cav&eacute;-Riant, 2002; Choquet, 2014). Based on the available evidence, this alteration is classified as pathogenic.

Clinical Genomics Laboratory, Washington University in St. Louis
Classification: Pathogenic for Cerebral cavernous malformation. Last evaluated: 2025-08-14. Review status: criteria provided, single submitter. Criteria: ACMG Guidelines, 2015. Collection method: clinical testing. Allele origin: germline. Affected: yes.
Comment: A KRIT1 c.1363C>T (p.Gln455*) variant was identified at a heterozygous allelic fraction of 61.7%, a frequency which may be consistent with it being of germline origin. This single nucleotide variant leads to a premature termination codon, which is predicted to lead to nonsense mediated decay. The KRIT1 c.1363C>T (p.Gln455*) variant has been reported in several individuals affected with cerebral cavernous malformations (Choquet H et al., PMID: 32524545; Couteulx S et al., PMID: 10508515) and in Mexican-American families with cavernous vascular malformations (Rigamonti D et.al, PMID: 3393196). It is observed in 2/1,609,150 alleles in the general population (gnomAD v4.1.0), indicating it is not a common variant. It has been reported as a pathogenic variant in a germline state by nine submitters in the ClinVar database (ClinVar ID: 5721). Based on available information and the ACMG/AMP guidelines for variant interpretation (Richards S et al., PMID: 25741868), this variant is classified as pathogenic.

ARUP Laboratories, Molecular Genetics and Genomics, ARUP Laboratories
Classification: Pathogenic. Last evaluated: 2024-11-14. Review status: criteria provided, single submitter. Criteria: ARUP Molecular Germline Variant Investigation Process 2024. Collection method: clinical testing. Allele origin: germline.
Comment: The KRIT1 (CCM1) c.1363C>T; p.Gln455Ter variant (rs267607203, ClinVar Variation ID: 5721), also known as 742C>T or as the Common Hispanic Mutation, is an established founder variant in Hispanic families of Spanish and Mexican descent affected with cerebral cavernous malformations (Choquet 2014, Sahoo 1999). This variant is only observed on one allele in the Genome Aggregation Database (v2.1.1), indicating it is not a common polymorphism. This variant induces an early termination codon and is predicted to result in a truncated protein or mRNA subject to nonsense-mediated decay. Based on available information, this variant is considered to be pathogenic. References: Choquet H et al. Association of cardiovascular risk factors with disease severity in cerebral cavernous malformation type 1 subjects with the common Hispanic mutation. Cerebrovasc Dis 2014; 37:57-63. PMID: 24401931. Sahoo T et al. Mutations in the gene encoding KRIT1, a Krev-1/rap1a binding protein, cause cerebral cavernous malformations (CCM1). Hum Mol Genet 1999; 8(12):2325-2333. PMID: 10545614.

Revvity Omics, Revvity
Classification: Pathogenic for Cerebral cavernous malformation. Last evaluated: 2023-12-19. Review status: criteria provided, single submitter. Criteria: ACMG Guidelines, 2015. Collection method: clinical testing. Allele origin: germline.

Athena Diagnostics
Classification: Pathogenic. Last evaluated: 2023-02-21. Review status: criteria provided, single submitter. Criteria: Athena Diagnostics Criteria. Collection method: clinical testing. Allele origin: unknown.
Comment: This variant is expected to result in the loss of a functional protein. The frequency of this variant in the general population is consistent with pathogenicity. This is a common variant associated with cerebral cavernous malformations (CCM) in individuals of Hispanic-American descent (PMID: 10545614, 12854741, 24401931). In some published literature, this variant is referred to as c.742C>T (p.Gln248*).

Blueprint Genetics
Classification: Pathogenic for KRIT1-related disorders. Last evaluated: 2022-08-12. Review status: criteria provided, single submitter. Criteria: ACMG Guidelines, 2015. Collection method: clinical testing. Allele origin: germline. Affected: yes. Observed: 3 variant alleles.

Fulgent Genetics
Classification: Pathogenic for Cerebral cavernous malformation. Last evaluated: 2022-04-13. Review status: criteria provided, single submitter. Criteria: ACMG Guidelines, 2015. Collection method: clinical testing. Allele origin: unknown.

GeneDx
Classification: Pathogenic. Last evaluated: 2021-11-02. Review status: criteria provided, single submitter. Criteria: GeneDx Variant Classification Process June 2021. Collection method: clinical testing. Allele origin: germline. Affected: yes.
Comment: Nonsense variant predicted to result in protein truncation or nonsense mediated decay in a gene for which loss-of-function is a known mechanism of disease; Not observed at a significant frequency in large population cohorts (Lek et al., 2016); This variant is associated with the following publications: (PMID: 20096038, 29593473, 12854741, 19088123, 8596595, 25525159, 25896717, 10545614, 28489816, 29088464, 25556204, 24698976, 24401931, 12404106, 31254430, 9065560, 32100472)

Illumina Laboratory Services, Illumina
Classification: Pathogenic for Cerebral cavernous malformation. Last evaluated: 2021-07-14. Review status: criteria provided, single submitter. Criteria: ICSLVariantClassificationCriteria RUGD 01 April 2020. Collection method: clinical testing. Allele origin: unknown.
Comment: The KRIT1 c.1363C>T (p.Gln455Ter) variant, also described as c.742C>T (p.Gln248Ter), is a stop-gained variant that has been reported in the literature as a Hispanic-American founder variant in individuals and families with cerebral cavernous malformation (CCM) and has been identified in the majority of affected families with ancestry from northern Mexico and the American Southwest (Sahoo et al. 1999; Laurans et al. 2003; Morrison & Akers 2003; Choquet et al. 2014). The p.Gln455Ter was also identified in sporadic cases with no known family history of CCM, and in affected individuals of other ethnicities (Cave-Riant et al. 2002; Laurans et al. 2003; Denier et al. 2004). The p.Gln455Ter variant is reported at a frequency of 0.000029 in the Latino/Admixed American population of the Genome Aggregation Database (version 2.1.1), but this is based on one allele in a region of good sequencing coverage so the variant is presumed to be rare. Based on the available evidence, the p.Gln455Ter variant is classified as pathogenic for cerebral cavernous malformation.

Eurofins Ntd Llc (ga)
Classification: Pathogenic. Last evaluated: 2015-06-19. Review status: criteria provided, single submitter. Criteria: EGL Classification Definitions 2015. Collection method: clinical testing. Allele origin: germline. Observed: 1 variant allele, 1 heterozygote.

OMIM
Classification: Pathogenic for CEREBRAL CAVERNOUS MALFORMATIONS 1. Last evaluated: 1999-11-01. Review status: no assertion criteria provided. Collection method: literature only. Allele origin: germline. Not counted in ClinVar's aggregate classification.

GeneReviews
No classification provided. Condition: Cerebral cavernous malformation. Review status: no classification provided. Collection method: literature only. Allele origin: germline. Affected: yes. Not counted in ClinVar's aggregate classification.

Literature cited by the submitters: PubMed 10508515 (cited by Labcorp Genetics (formerly Invitae), Labcorp); PubMed 11222804 (cited by Labcorp Genetics (formerly Invitae), Labcorp); PubMed 12404106 (cited by 4 submitters); PubMed 24689081 (cited by Labcorp Genetics (formerly Invitae), Labcorp); PubMed 10545614 (cited by 6 submitters); PubMed 24401931 (cited by 4 submitters); PubMed 9065560 (cited by Athena Diagnostics); PubMed 12854741 (cited by Athena Diagnostics and Illumina Laboratory Services, Illumina); PubMed 19088123 (cited by Athena Diagnostics); PubMed 14755725 (cited by Illumina Laboratory Services, Illumina); PubMed 20301470 (cited by Illumina Laboratory Services, Illumina); PubMed 3393196 (cited by OMIM); PubMed 7898703 (cited by OMIM); NCBI Bookshelf NBK1293 (cited by GeneReviews).